The following is an entry in ClinVar:

ClinVar aggregate classification (germline): Uncertain significance. Review status: criteria provided, multiple submitters, no conflicts (2 of 4 stars). 2 submissions from 2 submitters: Uncertain significance (2). Last evaluated 2025-12-23.

Conditions:
Congenital primary aphakia. Also called: Anterior segment dysgenesis 2, multiple subtypes; ANTERIOR SEGMENT DYSGENESIS 2. Identifiers: Orphanet 83461, MedGen C1853230, MONDO:0012456, OMIM 610256.
Anterior segment dysgenesis. Also called: Ocular anterior segment dysgenesis. Identifiers: Orphanet 88632, MedGen C1862839, MONDO:0019503, HP:0007700.
Cardiovascular phenotype. Identifiers: MedGen CN230736.

Submissions (2):

Labcorp Genetics (formerly Invitae), Labcorp
Classification: Uncertain significance for Anterior segment dysgenesis; Congenital primary aphakia. Last evaluated: 2025-12-23. Review status: criteria provided, single submitter. Criteria: Invitae Variant Classification Sherloc (09022015). Collection method: clinical testing. Allele origin: germline.
Comment: This sequence change replaces alanine, which is neutral and non-polar, with proline, which is neutral and non-polar, at codon 247 of the FOXE3 protein (p.Ala247Pro). This variant is not present in population databases (gnomAD no frequency). This variant has not been reported in the literature in individuals affected with FOXE3-related conditions. ClinVar contains an entry for this variant (Variation ID: 3763547). Invitae Evidence Modeling of protein sequence and biophysical properties (such as structural, functional, and spatial information, amino acid conservation, physicochemical variation, residue mobility, and thermodynamic stability) indicates that this missense variant is not expected to disrupt FOXE3 protein function with a negative predictive value of 95%. In summary, the available evidence is currently insufficient to determine the role of this variant in disease. Therefore, it has been classified as a Variant of Uncertain Significance.

Ambry Genetics
Classification: Uncertain significance for Cardiovascular phenotype. Last evaluated: 2025-03-26. Review status: criteria provided, single submitter. Criteria: Ambry Variant Classification Scheme 2023. Collection method: clinical testing. Allele origin: germline.

NM_012186.3(FOXE3):c.739G>C (p.Ala247Pro)

Genes: FOXE3 (forkhead box E3; plus strand), LINC01389 (long independently transcribed non-coding RNA 1389; minus strand). Cytogenetic location: 1p33.
Variant type: single nucleotide variant.
Coding change: c.739G>C on transcript NM_012186.3 (MANE Select); coding-DNA position 739, G replaced by C.
Protein change: p.Ala247Pro; replaces alanine 247 with proline.
Molecular consequence: missense variant.
Genome position (GRCh38, 1-based): chr1:47,417,054, G>C. VCF-style: chr1-47417054-G-C. GRCh37 (hg19) VCF-style: chr1-47882726-G-C.
Other names: c.739G>C (NM_012186.2); short protein forms A247P.
Identifiers: ClinVar variation 3763547 (VCV003763547.3).
Genomic context (GRCh38, chr1:47,417,054, plus strand): 5'-CCGGAGCTAGCGGGGCTGGGCGCCCCCGAGCCGCCCTGCTGCGCCGCGCCCGACGCCGCA[G>C]CCGCAGCCTTCCCGCCCTGCGCTGCCGCCGCCTCCCCGCCACTCTACTCGCAGGTCCCCG-3'
Protein context (NP_036318.1, residues 237-257): PPCCAAPDAA[Ala247Pro]AAFPPCAAAA